The following is an entry in ClinVar:

ClinVar aggregate classification (germline): Uncertain significance (1 of 4 stars; one submission).

Submissions (2):

Center for Genomic Medicine, Rigshospitalet, Copenhagen University Hospital
Classification: Uncertain significance. Last evaluated: 2025-03-04. Review status: criteria provided, single submitter. Criteria: ACMG Guidelines, 2015. Collection method: clinical testing. Allele origin: germline.

Brotman Baty Institute, University of Washington
No classification provided (evidence only). Condition: Breast-ovarian cancer, familial 1. Review status: no classification provided. Collection method: in vitro. Allele origin: not applicable. Functional consequence: function_uncertain_variant. Not counted in ClinVar's aggregate classification.
ClinVar note: "not provided" was previously submitted as the classification for the variant. However, the classification appeared to be based only on an observation of functional data so it was converted to no classification on 2025-07-30.

NM_007294.4(BRCA1):c.5375T>A (p.Val1792Glu)

Gene: BRCA1 (BRCA1 DNA repair associated; minus strand). Cytogenetic location: 17q21.31.
Variant type: single nucleotide variant.
Coding change: c.5375T>A on transcript NM_007294.4 (MANE Select); coding-DNA position 5375, T replaced by A.
Protein change: p.Val1792Glu; replaces valine 1792 with glutamic acid.
Molecular consequence: missense variant. On other transcripts: non-coding transcript variant (1), intron variant (1).
Genome position (GRCh38, 1-based): chr17:43,049,152, A>T on the plus strand (T>A on the coding strand, the complement: BRCA1 is on the minus strand). VCF-style: chr17-43049152-A-T. GRCh37 (hg19) VCF-style: chr17-41201169-A-T.
Other names: c.2768T>A, p.Val923Glu (NM_001407969.1); c.2132T>A, p.Val711Glu (NM_001407970.1, NM_001407971.1); c.2129T>A, p.Val710Glu (NM_001407972.1); c.2066T>A, p.Val689Glu (NM_001407973.1, NM_001407974.1, NM_001407975.1 and 3 more transcripts); c.1919T>A, p.Val640Glu (NM_001408470.1, NM_001408468.1, NM_001408469.1); c.1853T>A, p.Val618Glu (NM_001408485.1, NM_001408489.1, NM_001408490.1 and 5 more transcripts); c.1850T>A, p.Val617Glu (NM_001408492.1, NM_001408493.1); c.1826T>A, p.Val609Glu (NM_001408494.1); and 73 more; short protein forms V1745E, V1813E, V1792E, V688E, V1623E, V1638E, V1681E, V1722E.
Identifiers: ClinVar variation 868389 (VCV000868389.4), dbSNP rs2051082443, ClinGen allele CA10590722.